The following is an entry in ClinVar:

NM_001351132.2(PEX5):c.1521C>T (p.Ala507=)

Gene: PEX5 (peroxisomal biogenesis factor 5; plus strand). Cytogenetic location: 12p13.31.
Variant type: single nucleotide variant.
Coding change: c.1521C>T on transcript NM_001351132.2 (MANE Select); coding-DNA position 1521, C replaced by T.
Protein change: p.Ala507=; no amino-acid change (alanine 507 retained).
Molecular consequence: synonymous variant.
Genome position (GRCh38, 1-based): chr12:7,209,131, C>T. VCF-style: chr12-7209131-C-T. GRCh37 (hg19) VCF-style: chr12-7361727-C-T.
Other names: c.1497C>T, p.Ala499= (NM_000319.5); c.1566C>T, p.Ala522= (NM_001131023.2); c.1410C>T, p.Ala470= (NM_001131024.2, NM_001351124.3, NM_001351126.2 and 7 more transcripts); c.1521C>T, p.Ala507= (NM_001131025.2, NM_001131026.2, NM_001300789.3 and 4 more transcripts); c.1455C>T, p.Ala485= (NM_001351135.3, NM_001351138.2); c.1512C>T, p.Ala504= (NM_001351136.2); c.1386C>T, p.Ala462= (NM_001351139.2, NM_001351140.2, NM_001374649.2).
Identifiers: ClinVar variation 310425 (VCV000310425.53), dbSNP rs150761638, ClinGen allele CA6426476.

ClinVar aggregate classification (germline): Conflicting classifications of pathogenicity. Review status: criteria provided, conflicting classifications (1 of 4 stars). 3 submissions from 3 submitters: Uncertain significance (1); Benign (1); Likely benign (1). Last evaluated 2026-08-01.

Conditions:
Peroxisome biogenesis disorder 2B (PBD2B). Identifiers: Orphanet 44, MedGen C3550234, MONDO:0008736, OMIM 202370.
Peroxisome biogenesis disorder 2A (Zellweger) (PBD2A). Also called: Cerebrohepatorenal syndrome, variant types. Identifiers: Orphanet 912, MedGen C3550273, MONDO:0008954, OMIM 214110.

Allele frequency attached by ClinVar (database versions not stated): 1000 Genomes Project 0.00080; TOPMed 0.00084; 1000 Genomes Project 30x 0.00094; ESP Exome Variant Server 0.00108; gnomAD 0.00216 and 0.00221; ExAC 0.00227; gnomAD exomes 0.00239.
gnomAD v4.1: 3,194 of 1,614,010 alleles (0.2%); highest among the groups gnomAD compares: Non-Finnish European, 0.18%; 7 homozygotes.

Submissions (3):

CeGaT Center for Human Genetics Tuebingen
Classification: Likely benign. Last evaluated: 2026-08-01. Review status: criteria provided, single submitter. Criteria: CeGaT Center For Human Genetics Tuebingen Variant Classification Criteria Version 2. Collection method: clinical testing. Allele origin: germline. Affected: yes. Observed: 5 variant alleles.
Comment: PEX5: BP4, BP7

Labcorp Genetics (formerly Invitae), Labcorp
Classification: Benign for Peroxisome biogenesis disorder 2B. Last evaluated: 2026-02-02. Review status: criteria provided, single submitter. Criteria: Invitae Variant Classification Sherloc (09022015). Collection method: clinical testing. Allele origin: germline.

Illumina Laboratory Services, Illumina
Classification: Uncertain significance for Peroxisome biogenesis disorder 2A (Zellweger). Last evaluated: 2018-01-13. Review status: criteria provided, single submitter. Criteria: ICSL Variant Classification Criteria 13 December 2019. Collection method: clinical testing. Allele origin: germline.